The following is an entry in ClinVar:

ClinVar aggregate classification (germline): Uncertain significance (1 of 4 stars; one submission).

Conditions:
Congenital myotonia, autosomal recessive form. Also called: Becker Generalized Myotonia; myotonia congenita, autosomal recessive; BECKER DISEASE. Identifiers: Orphanet 614, MedGen C0751360, MONDO:0009715, OMIM 255700.

Submission:

Dr. med. U. Finckh, Human Genetics, Eurofins MVZ
Classification: Uncertain significance for Congenital myotonia, autosomal recessive form. Last evaluated: 2019-11-26. Review status: criteria provided, single submitter. Criteria: ACMG Guidelines, 2015. Collection method: clinical testing. Allele origin: de novo. Affected: yes.
Comment: The variant apparently occured de novo. Both variants, to our knowledge, have not been described in controls or cases, yet.

NM_000083.3(CLCN1):c.1774G>A (p.Asp592Asn)

Gene: CLCN1 (chloride voltage-gated channel 1; plus strand). Cytogenetic location: 7q34.
Variant type: single nucleotide variant.
Coding change: c.1774G>A on transcript NM_000083.3 (MANE Select); coding-DNA position 1774, G replaced by A.
Protein change: p.Asp592Asn; replaces aspartic acid 592 with asparagine.
Molecular consequence: missense variant. On other transcripts: non-coding transcript variant (1).
Genome position (GRCh38, 1-based): chr7:143,342,120, G>A. VCF-style: chr7-143342120-G-A. GRCh37 (hg19) VCF-style: chr7-143039213-G-A.
Other names: short protein forms D592N.
Identifiers: ClinVar variation 2580986 (VCV002580986.1), dbSNP rs2487090653, ClinGen allele CA369646749.